The following is an entry in ClinVar:

ClinVar aggregate classification (germline): Uncertain significance (1 of 4 stars; one submission).

Conditions:
Inborn genetic diseases. Identifiers: MedGen C0950123, MeSH D030342.

Allele frequency attached by ClinVar (database versions not stated): TOPMed 0.00001.

Submission:

Ambry Genetics
Classification: Uncertain significance for Inborn genetic diseases. Last evaluated: 2022-12-18. Review status: criteria provided, single submitter. Criteria: Ambry Variant Classification Scheme 2023. Collection method: clinical testing. Allele origin: germline.
Comment: The p.D824V variant (also known as c.2471A>T), located in coding exon 19 of the LRRK2 gene, results from an A to T substitution at nucleotide position 2471. The aspartic acid at codon 824 is replaced by valine, an amino acid with highly dissimilar properties. This amino acid position is conserved. In addition, this alteration is predicted to be deleterious by in silico analysis. Since supporting evidence is limited at this time, the clinical significance of this alteration remains unclear.

NM_198578.4(LRRK2):c.2471A>T (p.Asp824Val)

Gene: LRRK2 (leucine rich repeat kinase 2; plus strand). Cytogenetic location: 12q12.
Variant type: single nucleotide variant.
Coding change: c.2471A>T on transcript NM_198578.4 (MANE Select); coding-DNA position 2471, A replaced by T.
Protein change: p.Asp824Val; replaces aspartic acid 824 with valine.
Molecular consequence: missense variant.
Genome position (GRCh38, 1-based): chr12:40,284,104, A>T. VCF-style: chr12-40284104-A-T. GRCh37 (hg19) VCF-style: chr12-40677906-A-T.
Other names: short protein forms D824V.
Identifiers: ClinVar variation 3229558 (VCV003229558.1), dbSNP rs1943816750, ClinGen allele CA384407530.